The following is an entry in ClinVar:

ClinVar aggregate classification (germline): Benign/Likely benign. Review status: criteria provided, multiple submitters, no conflicts (2 of 4 stars). 2 submissions from 2 submitters: Benign (1); Likely benign (1). Last evaluated 2025-03-31.

Conditions:
Peutz-Jeghers syndrome (PJS). Also called: POLYPOSIS, HAMARTOMATOUS INTESTINAL; POLYPS-AND-SPOTS SYNDROME; Peutz-Jeghers polyposis; Periorificial lentiginosis syndrome. Identifiers: Orphanet 2869, MedGen C0031269, MeSH D010580, MONDO:0008280, OMIM 175200.
Hereditary cancer-predisposing syndrome. Also called: Neoplastic Syndromes, Hereditary; Hereditary neoplastic syndrome; Tumor predisposition; Hereditary Cancer Syndrome. Identifiers: Orphanet 140162, MedGen C0027672, MeSH D009386, MONDO:0015356.

Submissions (2):

Myriad Genetics, Inc.
Classification: Benign for Peutz-Jeghers syndrome. Last evaluated: 2025-03-31. Review status: criteria provided, single submitter. Criteria: Myriad Autosomal Dominant, Autosomal Recessive and X-Linked Classification Criteria (2023). Collection method: clinical testing. Allele origin: unknown.
Comment: This variant is considered benign. This variant is a silent/synonymous amino acid change and it is not expected to impact splicing.

Ambry Genetics
Classification: Likely benign for Hereditary cancer-predisposing syndrome. Last evaluated: 2024-04-26. Review status: criteria provided, single submitter. Criteria: Ambry Variant Classification Scheme 2023. Collection method: clinical testing. Allele origin: germline.

NM_000455.5(STK11):c.1224C>A (p.Gly408=)

Gene: STK11 (serine/threonine kinase 11; plus strand). Cytogenetic location: 19p13.3.
Variant type: single nucleotide variant.
Coding change: c.1224C>A on transcript NM_000455.5 (MANE Select); coding-DNA position 1224, C replaced by A.
Protein change: p.Gly408=; no amino-acid change (glycine 408 retained).
Molecular consequence: synonymous variant. On other transcripts: non-coding transcript variant (1).
Genome position (GRCh38, 1-based): chr19:1,226,569, C>A. VCF-style: chr19-1226569-C-A. GRCh37 (hg19) VCF-style: chr19-1226568-C-A.
Identifiers: ClinVar variation 3323256 (VCV003323256.2).
Genomic context (GRCh38, chr19:1,226,569, plus strand): 5'-GGCCGTGTGTATGAACGGCACAGAGGCGGCGCAGCTGAGCACCAAATCCAGGGCGGAGGG[C>A]CGGGCCCCCAACCCTGCCCGCAAGGCCTGCTCCGCCAGCAGCAAGATCCGCCGGCTGTCG-3'
Protein context (NP_000446.1, residues 398-418): AQLSTKSRAE[Gly408=]RAPNPARKAC